The following is an entry in ClinVar:

NM_000136.3(FANCC):c.178G>A (p.Val60Ile)

Gene: FANCC (FA complementation group C; minus strand). Cytogenetic location: 9q22.32.
Variant type: single nucleotide variant.
Coding change: c.178G>A on transcript NM_000136.3 (MANE Select); coding-DNA position 178, G replaced by A.
Protein change: p.Val60Ile; replaces valine 60 with isoleucine.
Molecular consequence: missense variant.
Genome position (GRCh38, 1-based): chr9:95,247,504, C>T on the plus strand (G>A on the coding strand, the complement: FANCC is on the minus strand). VCF-style: chr9-95247504-C-T. GRCh37 (hg19) VCF-style: chr9-98009786-C-T.
Other names: p.V60I:GTC>ATC; c.178G>A, p.Val60Ile (NM_001243743.2, NM_001243744.2); short protein forms V60I.
Identifiers: ClinVar variation 127537 (VCV000127537.90), dbSNP rs138629441, ClinGen allele CA287202.

ClinVar aggregate classification (germline): Conflicting classifications of pathogenicity. Review status: criteria provided, conflicting classifications (1 of 4 stars). 23 submissions from 23 submitters: Uncertain significance (5); Benign (1); Likely benign (13). 4 of the submissions do not count toward it. Last evaluated 2026-04-11.

Conditions:
FANCC-related disorder. Also called: FANCC-related condition.
Hereditary cancer. Identifiers: MedGen C1333600.
Hereditary cancer-predisposing syndrome. Also called: Tumor predisposition; Hereditary neoplastic syndrome; Neoplastic Syndromes, Hereditary; Hereditary Cancer Syndrome. Identifiers: Orphanet 140162, MedGen C0027672, MeSH D009386, MONDO:0015356.
Fanconi anemia (FA). Also called: Fanconi's anemia. Identifiers: Orphanet 84, MedGen C0015625, MeSH D005199, MONDO:0019391.
Fanconi anemia complementation group C (FANCC). Also called: Fanconi anemia, group C; FANCONI PANCYTOPENIA, TYPE 3; FACC; FANCC-Related Fanconi Anemia. Identifiers: Orphanet 84, MedGen C3468041, MONDO:0009213, OMIM 227645.
Malignant tumor of breast. Also called: Malignant breast neoplasm; Cancer breast. Identifiers: MedGen C0006142, MONDO:0007254. Disease mechanism: loss of function.

Allele frequency attached by ClinVar (database versions not stated): gnomAD 0.00086 and 0.00091; ExAC 0.00087; gnomAD exomes 0.00089 and 0.00158; ESP Exome Variant Server 0.00100; TOPMed 0.00113.
gnomAD v4.1: 2,442 of 1,612,712 alleles (0.15%); highest among the groups gnomAD compares: Non-Finnish European, 0.19%; 2 homozygotes.

Submissions 1 to 18 of 23:

Dasa
Classification: Likely benign. Last evaluated: 2026-04-11. Review status: criteria provided, single submitter. Criteria: DASA Assertion Criteria. Collection method: clinical testing. Allele origin: germline.
Comment: NM_000136.3(FANCC):c.178G>A (p.Val60Ile) is a missense variant that results in the substitution of valine with isoleucine. Population frequency is inconsistent with a disease-causing role for this variant, and observations in unaffected individuals support a benign interpretation. Computational prediction algorithms are consistent with a benign effect. Therefore, based on the currently available evidence, this variant is classified as likely benign.

Women's Health and Genetics/Laboratory Corporation of America, LabCorp
Classification: Benign. Last evaluated: 2026-02-23. Review status: criteria provided, single submitter. Criteria: LabCorp Variant Classification Summary - May 2015. Collection method: clinical testing. Allele origin: germline.
Comment: Variant summary: FANCC c.178G>A (p.Val60Ile) results in a conservative amino acid change in the encoded protein sequence. Algorithms developed to predict the effect of missense changes on protein structure and function all suggest that this variant is likely to be tolerated. The variant allele was found at a frequency of 0.0015 in 1608222 control chromosomes (in the gnomAD database and publication data), predominantly at a frequency of 0.0019 within the Non-Finnish European subpopulation in the gnomAD database (v4.1 dataset), including 2 homozygotes. The observed variant frequency within Non-Finnish European control individuals in the gnomAD database exceeds the estimated maximal expected allele frequency for disease-causing variants in FANCC. c.178G>A has been observed in individuals affected with various tumor phenotypes, but was also often found in several controls with similar allele frequencies (e.g. Savoia_1996, Seal_2003, Thompson_2012, Chandrasekharappa_2017, Couch_2005, Dudley_2018, Verhagen_2018, Hong_2018, Bonache_2018, Guindalini_2022). These reports suggest that c.178G>A (legacy name 433G>A) is unlikely to be associated with these cancer phenotypes. Co-occurrences with other pathogenic variant(s) have been reported (e.g. BRCA2 c.5585_5588delTGAA, p.V1862fs*11; internal sample), providing supporting evidence for a benign role. To our knowledge, no experimental evidence demonstrating an impact on protein function has been reported. However, sequence comparison with other vertebrate species indicates this missense change is phylogenetically not constrained (e.g. PMID 29358731). The following publications have been ascertained in the context of this evaluation (PMID: 30306255, 28678401, 15695377, 29360161, 29643063, 8799375, 14695169, 23028338, 29719599, 35264596). ClinVar contains an entry for this variant (Variation ID: 127537). Based on the evidence outlined above, the variant was classified as benign.

Labcorp Genetics (formerly Invitae), Labcorp
Classification: Likely benign for Fanconi anemia. Last evaluated: 2026-02-01. Review status: criteria provided, single submitter. Criteria: Invitae Variant Classification Sherloc (09022015). Collection method: clinical testing. Allele origin: germline.

Mayo Clinic Laboratories, Mayo Clinic
Classification: Likely benign. Last evaluated: 2025-09-29. Review status: criteria provided, single submitter. Criteria: ACMG Guidelines, 2015. Collection method: clinical testing. Allele origin: germline. Observed: 1 variant allele.
Comment: BS1, BP4_moderate

ARUP Laboratories, Molecular Genetics and Genomics, ARUP Laboratories
Classification: Likely benign for Fanconi anemia complementation group C. Last evaluated: 2025-05-16. Review status: criteria provided, single submitter. Criteria: ARUP Molecular Germline Variant Investigation Process 2024. Collection method: clinical testing. Allele origin: germline.

CeGaT Center for Human Genetics Tuebingen
Classification: Likely benign. Last evaluated: 2025-05-01. Review status: criteria provided, single submitter. Criteria: CeGaT Center For Human Genetics Tuebingen Variant Classification Criteria Version 2. Collection method: clinical testing. Allele origin: germline. Affected: yes. Observed: 6 variant alleles.
Comment: FANCC: BP1, BP4, BS1

Blueprint Genetics
Classification: Likely benign. Last evaluated: 2024-11-21. Review status: criteria provided, single submitter. Criteria: ACMG Guidelines, 2015. Collection method: clinical testing. Allele origin: germline.

St. Jude Molecular Pathology, St. Jude Children's Research Hospital
Classification: Likely benign for Fanconi anemia complementation group C. Last evaluated: 2024-09-26. Review status: criteria provided, single submitter. Criteria: St. Jude Assertion Criteria 2020. Collection method: clinical testing. Allele origin: germline.
Comment: The FANCC c.178G>A (p.Val60Ile) missense change has a maximum subpopulation frequency of 0.19% in gnomAD v4.1.0 with 2 homozygotes. The in silico tool REVEL predicts a benign effect on protein function, but to our knowledge this prediction has not been confirmed by functional studies. This variant has been reported as heterozygous in two individuals with head and neck squamous cell carcinoma (PMID: 28678401). To our knowledge, this variant has not been reported in the literature in individuals with Fanconi anemia. In summary, this variant meets criteria to be classified as likely benign.

Mendelics
Classification: Likely benign for Hereditary cancer. Last evaluated: 2024-01-23. Review status: criteria provided, single submitter. Criteria: ACMG Guidelines, 2015. Collection method: clinical testing. Allele origin: unknown.

Center for Genomics, Ann and Robert H. Lurie Children's Hospital of Chicago
Classification: Uncertain significance for Fanconi anemia complementation group C. Last evaluated: 2021-11-18. Review status: criteria provided, single submitter. Criteria: ACMG Guidelines, 2015. Collection method: clinical testing. Allele origin: germline.
Comment: FANCC NM_000136.2 exon 3 p.Val60Ile (c.178G>A): This variant has not been reported in the literature in association with Fanconi anemia. This variant is present in 0.2% (108/68,020) of European alleles in the Genome Aggregation Database. This variant is present in ClinVar, with classifications ranging from likely benign to Uncertain significance (Variation ID:127537). This variant amino acid Isoleucine (Ile) is present in more than 30 species including many mammals and is not well conserved among evolutionarily distant species; this suggests that this variant may not impact the protein. Additional computational prediction tools do not suggest an impact. Splice prediction tools suggest that this variant may affect splicing. However, further studies are needed to understand its impact. In summary, data on this variant is insufficient for disease classification. Therefore, the clinical significance of this variant is uncertain.

Institute for Clinical Genetics, University Hospital TU Dresden, University Hospital TU Dresden
Classification: Uncertain significance. Last evaluated: 2021-11-03. Review status: criteria provided, single submitter. Criteria: ACMG Guidelines, 2015. Collection method: clinical testing. Allele origin: germline.

Sema4
Classification: Likely benign for Fanconi anemia. Last evaluated: 2021-07-12. Review status: criteria provided, single submitter. Criteria: Sema4 Curation Guidelines. Collection method: curation. Allele origin: germline.

GeneDx
Classification: Likely benign. Last evaluated: 2021-05-25. Review status: criteria provided, single submitter. Criteria: GeneDx Variant Classification Process June 2021. Collection method: clinical testing. Allele origin: germline. Affected: yes.
Comment: This variant is associated with the following publications: (PMID: 14695169, 23028338, 27621404, 24123366, 15695377)

Genome-Nilou Lab
Classification: Likely benign for Fanconi anemia complementation group C. Last evaluated: 2021-05-18. Review status: criteria provided, single submitter. Criteria: ACMG Guidelines, 2015. Collection method: clinical testing. Allele origin: germline. Affected: no.

Baylor Genetics
Classification: Uncertain significance for Fanconi anemia complementation group C. Last evaluated: 2020-07-14. Review status: criteria provided, single submitter. Criteria: ACMG Guidelines, 2015. Collection method: clinical testing. Allele origin: unknown. Affected: yes. Study: CSER-TexasKidsCanSeq.
Comment: This variant was determined to be of uncertain significance according to ACMG Guidelines, 2015 [PMID:25741868].

Genetic Services Laboratory, University of Chicago
Classification: Uncertain significance. Last evaluated: 2019-10-25. Review status: criteria provided, single submitter. Criteria: ACMG Guidelines, 2015. Collection method: clinical testing. Allele origin: germline. Affected: no.

Ambry Genetics
Classification: Likely benign for Hereditary cancer-predisposing syndrome. Last evaluated: 2018-10-26. Review status: criteria provided, single submitter. Criteria: Ambry Variant Classification Scheme 2023. Collection method: clinical testing. Allele origin: germline.

Illumina Laboratory Services, Illumina
Classification: Uncertain significance for Fanconi anemia complementation group C. Last evaluated: 2018-01-13. Review status: criteria provided, single submitter. Criteria: ICSL Variant Classification Criteria 13 December 2019. Collection method: clinical testing. Allele origin: germline.